The following is an entry in ClinVar:

ClinVar aggregate classification (germline): Uncertain significance (1 of 4 stars; one submission).

Conditions:
Neurodevelopmental disorder with or without seizures and gait abnormalities. Identifiers: MedGen C4693391, MONDO:0060641, OMIM 617864.

Submission:

Laboratorio de Genetica e Diagnostico Molecular, Hospital Israelita Albert Einstein
Classification: Uncertain significance for Neurodevelopmental disorder with or without seizures and gait abnormalities. Last evaluated: 2022-07-04. Review status: criteria provided, single submitter. Criteria: ACMG Guidelines, 2015. Collection method: clinical testing. Allele origin: germline. Affected: yes. Observed: 1 variant allele.
Comment: ACMG classification criteria: PM2 moderated, PP2 supporting, BP4 supporting

NM_000829.4(GRIA4):c.1985C>T (p.Ala662Val)

Gene: GRIA4 (glutamate ionotropic receptor AMPA type subunit 4; plus strand). Cytogenetic location: 11q22.3.
Variant type: single nucleotide variant.
Coding change: c.1985C>T on transcript NM_000829.4 (MANE Select); coding-DNA position 1985, C replaced by T.
Protein change: p.Ala662Val; replaces alanine 662 with valine.
Molecular consequence: missense variant. On other transcripts: non-coding transcript variant (1).
Genome position (GRCh38, 1-based): chr11:105,926,878, C>T. VCF-style: chr11-105926878-C-T. GRCh37 (hg19) VCF-style: chr11-105797604-C-T.
Other names: c.1985C>T, p.Ala662Val (NM_001077243.3); short protein forms A662V.
Identifiers: ClinVar variation 2431520 (VCV002431520.1), dbSNP rs2497929678, ClinGen allele CA382301941.